The following is an entry in ClinVar:

ClinVar aggregate classification (germline): Uncertain significance (1 of 4 stars; one submission).

Conditions:
Inborn genetic diseases. Identifiers: MedGen C0950123, MeSH D030342.

Submission:

Ambry Genetics
Classification: Uncertain significance for Inborn genetic diseases. Last evaluated: 2025-05-02. Review status: criteria provided, single submitter. Criteria: Ambry Variant Classification Scheme 2023. Collection method: clinical testing. Allele origin: germline.
Comment: The p.H236Y variant (also known as c.706C>T), located in coding exon 1 of the CEBPA gene, results from a C to T substitution at nucleotide position 706. The histidine at codon 236 is replaced by tyrosine, an amino acid with similar properties. This amino acid position is conserved. In addition, this alteration is predicted to be tolerated by in silico analysis. Based on the available evidence, the clinical significance of this variant remains unclear.

NM_004364.5(CEBPA):c.706C>T (p.His236Tyr)

Gene: CEBPA (CCAAT enhancer binding protein alpha; minus strand). Cytogenetic location: 19q13.11.
Variant type: single nucleotide variant.
Coding change: c.706C>T on transcript NM_004364.5 (MANE Select); coding-DNA position 706, C replaced by T.
Protein change: p.His236Tyr; replaces histidine 236 with tyrosine.
Molecular consequence: missense variant.
Genome position (GRCh38, 1-based): chr19:33,301,709, G>A on the plus strand (C>T on the coding strand, the complement: CEBPA is on the minus strand). VCF-style: chr19-33301709-G-A. GRCh37 (hg19) VCF-style: chr19-33792615-G-A.
Other names: c.349C>T, p.His117Tyr (NM_001285829.2); c.811C>T, p.His271Tyr (NM_001287424.2); c.664C>T, p.His222Tyr (NM_001287435.2); short protein forms H271Y, H222Y, H236Y, H117Y.
Identifiers: ClinVar variation 4000005 (VCV004000005.1).